The following is an entry in ClinVar:

Conditions:
Breast-ovarian cancer, familial, susceptibility to, 1 (BROVCA1). Also called: BRCA1 Hereditary Breast and Ovarian Cancer; OVARIAN CANCER, SUSCEPTIBILITY TO. Identifiers: Orphanet 145, MedGen C2676676, MONDO:0011450, OMIM 604370. Disease mechanism: loss of function.

Submission:

Brotman Baty Institute, University of Washington
No classification provided (evidence only). Condition: Breast-ovarian cancer, familial 1. Review status: no classification provided. Collection method: in vitro. Allele origin: not applicable. Functional consequence: functionally_normal.
ClinVar note: "not provided" was previously submitted as the classification for the variant. However, the classification appeared to be based only on an observation of functional data so it was converted to no classification on 2025-07-30.

NM_007294.4(BRCA1):c.134+6T>C

Gene: BRCA1 (BRCA1 DNA repair associated; minus strand). Cytogenetic location: 17q21.31.
Variant type: single nucleotide variant.
Coding change: c.134+6T>C on transcript NM_007294.4 (MANE Select); 6 bases into the intron after coding-DNA position 134, T replaced by C.
Molecular consequence: intron variant.
Genome position (GRCh38, 1-based): chr17:43,115,720, A>G on the plus strand (T>C on the coding strand, the complement: BRCA1 is on the minus strand). VCF-style: chr17-43115720-A-G. GRCh37 (hg19) VCF-style: chr17-41267737-A-G.
Other names: c.134+6T>C (NM_001407690.1, NM_001407687.1, NM_001407941.1 and 191 more transcripts); c.-124+6T>C (NM_001407724.1, NM_001407746.1, NM_001408468.1 and 13 more transcripts); c.-8+6T>C (NM_001407697.1, NM_001407838.1, NM_001408410.1 and 47 more transcripts); c.-55+6T>C (NM_001408483.1, NM_001407885.1, NM_001407886.1 and 52 more transcripts); c.-219+9557T>C (NM_001407967.1); c.-170+9557T>C (NM_001407959.1); c.-7-9187T>C (NM_001407931.1, NM_001407747.1, NM_001408511.1 and 2 more transcripts); c.-170+6T>C (NM_001407962.1, NM_001408512.1, NM_001408510.1 and 1 more transcripts); and 10 more.
Identifiers: ClinVar variation 867841 (VCV000867841.3), dbSNP rs2055241613, ClinGen allele CA916081000.